The following is an entry in ClinVar:

ClinVar aggregate classification (germline): Pathogenic (1 of 4 stars; one submission).

Submission:

CeGaT Center for Human Genetics Tuebingen
Classification: Pathogenic. Last evaluated: 2024-03-01. Review status: criteria provided, single submitter. Criteria: CeGaT Center For Human Genetics Tuebingen Variant Classification Criteria Version 2. Collection method: clinical testing. Allele origin: germline. Affected: yes. Observed: 1 variant allele.
Comment: ZFHX4: PVS1, PM2

NM_024721.5(ZFHX4):c.7517_7524dup (p.Gln2509fs)

Gene: ZFHX4 (zinc finger homeobox 4; plus strand). Cytogenetic location: 8q21.13.
Variant type: Microsatellite.
Coding change: c.7517_7524dup on transcript NM_024721.5 (MANE Select); coding-DNA positions 7517 to 7524, 8 bases duplicated (AACTCTGG; older notation c.7517_7524dupAACTCTGG).
Protein change: p.Gln2509fs; shifts the reading frame from glutamine 2509.
Molecular consequence: frameshift variant.
Genome position (GRCh38, 1-based): chr8:76,854,438-76,854,445, AACTCTGG duplicated; duplicating any 8 consecutive bases within chr8:76,854,430-76,854,445 gives the same sequence; the c. name uses the placement nearest the transcript's 3' end. VCF-style (leftmost placement, unchanged base first): chr8-76854429-C-CAACTCTGG. GRCh37 (hg19) VCF-style: chr8-77766665-C-CAACTCTGG.
Other names: c.7439_7446dup, p.Gln2483fs (NM_001410934.1); short protein forms Q2483fs, Q2509fs.
Identifiers: ClinVar variation 3067694 (VCV003067694.21), dbSNP rs2536400339, ClinGen allele CA2825001597.